The following is an entry in ClinVar:

GRCh38/hg38 6p25.3(chr6:259528-293493)x1

Genes: DUSP22 (dual specificity phosphatase 22; plus strand), LOC129995536 (ATAC-STARR-seq lymphoblastoid active region 23815; plus strand), LOC129995537 (ATAC-STARR-seq lymphoblastoid active region 23816; plus strand), LOC129995538 (ATAC-STARR-seq lymphoblastoid active region 23818; plus strand). Cytogenetic location: 6p25.3.
Variant type: copy number loss.
Change: copy number 1 (one copy instead of two) of chr6:259,528-293,493 (34.0 kb, GRCh38 coordinates, 1-based), cytogenetic band 6p25.3.
Identifiers: ClinVar variation 32165 (VCV000032165.3).

ClinVar aggregate classification (germline): Benign. Review status: no assertion criteria provided (0 of 4 stars). 2 submissions from 1 submitter: Benign (1). 1 of the submissions does not count toward it. Last evaluated 2013-09-23.

Submissions (2):

ISCA site 4
Classification: Benign. Last evaluated: 2013-09-23. Review status: no assertion criteria provided. Collection method: clinical testing. Allele origin: unknown. Affected: yes. Observed: 105 variant alleles. Clinical features observed: Seizure (HP:0001250), Developmental delay AND/OR other significant developmental or morphological phenotypes, Abnormality of the nervous system (HP:0000707), Autism (HP:0000717), Global developmental delay (HP:0001263), Microcephaly (HP:0000252), Deeply set eye (HP:0000490), Behavioral abnormality (HP:0000708), Specific learning disability (HP:0001328), Abnormality of head and neck (HP:0000152), Abnormal facial shape (HP:0002260), Cleft palate (HP:0000175), and 20 more.

ISCA site 4
Classification: Benign. Last evaluated: 2011-08-12. Review status: flagged submission. Criteria: Kaminsky et al. (Genet Med. 2011). Collection method: clinical testing. Allele origin: unknown. Affected: yes. Observed: 24 variant alleles. Clinical features observed: Abnormality of the nervous system (HP:0000707), Myelomeningocele (HP:0002475), Branchial anomaly (HP:0009794), Developmental delay AND/OR other significant developmental or morphological phenotypes, Dysphagia (HP:0002015), Global developmental delay (HP:0001263), Microcephaly (HP:0000252), Autism (HP:0000717), Cleft upper lip (HP:0000204), Cleft palate (HP:0000175), Hepatic failure (HP:0001399), Congenital diaphragmatic hernia (HP:0000776), and 2 more. Not counted in ClinVar's aggregate classification.
Comment: Copy number variation identified through the course of routine clinical cytogenomic testing in postnatal populations. Clinical assertions have been curated as described in Kaminsky et al. 2011.
ClinVar note: Reason: This record appears to be redundant with a more recent record from the same submitter.
ClinVar note: Notes: SCV000077850 appears to be redundant with SCV000175241.